The following is an entry in ClinVar:

ClinVar aggregate classification (germline): Likely benign. Review status: criteria provided, multiple submitters, no conflicts (2 of 4 stars). 2 submissions from 2 submitters: Likely benign (2). Last evaluated 2026-02-02.

Conditions:
LRP5-related disorder. Also called: LRP5-related condition.

Allele frequency attached by ClinVar (database versions not stated): gnomAD 0.00001; gnomAD exomes 0.00001; ExAC 0.00002.

Submissions (2):

PreventionGenetics, part of Exact Sciences
Classification: Likely benign for LRP5-related condition. Last evaluated: 2026-02-02. Review status: criteria provided, single submitter. Criteria: ACMG Guidelines, 2015. Collection method: clinical testing. Allele origin: germline.
Comment: This variant is classified as likely benign based on ACMG/AMP sequence variant interpretation guidelines (Richards et al. 2015 PMID: 25741868, with internal and published modifications).

Labcorp Genetics (formerly Invitae), Labcorp
Classification: Likely benign. Last evaluated: 2024-07-08. Review status: criteria provided, single submitter. Criteria: Invitae Variant Classification Sherloc (09022015). Collection method: clinical testing. Allele origin: germline.

NM_002335.4(LRP5):c.709C>T (p.Leu237=)

Gene: LRP5 (LDL receptor related protein 5; plus strand). Cytogenetic location: 11q13.2.
Variant type: single nucleotide variant.
Coding change: c.709C>T on transcript NM_002335.4 (MANE Select); coding-DNA position 709, C replaced by T.
Protein change: p.Leu237=; no amino-acid change (leucine 237 retained).
Molecular consequence: synonymous variant. On other transcripts: 5 prime UTR variant (1).
Genome position (GRCh38, 1-based): chr11:68,363,769, C>T. VCF-style: chr11-68363769-C-T. GRCh37 (hg19) VCF-style: chr11-68131237-C-T.
Other names: c.-1057C>T (NM_001291902.2); c.709C>T (NM_002335.3).
Identifiers: ClinVar variation 2867260 (VCV002867260.4), dbSNP rs780791760, ClinGen allele CA6149095.